The following is an entry in ClinVar:

NM_022552.5(DNMT3A):c.1193C>G (p.Ala398Gly)

Gene: DNMT3A (DNA methyltransferase 3 alpha; minus strand). Cytogenetic location: 2p23.3.
Variant type: single nucleotide variant.
Coding change: c.1193C>G on transcript NM_022552.5 (MANE Select); coding-DNA position 1193, C replaced by G.
Protein change: p.Ala398Gly; replaces alanine 398 with glycine.
Molecular consequence: missense variant. On other transcripts: non-coding transcript variant (1).
Genome position (GRCh38, 1-based): chr2:25,246,706, G>C on the plus strand (C>G on the coding strand, the complement: DNMT3A is on the minus strand). VCF-style: chr2-25246706-G-C. GRCh37 (hg19) VCF-style: chr2-25469575-G-C.
Other names: c.737C>G, p.Ala246Gly (NM_001320893.1); c.524C>G, p.Ala175Gly (NM_001375819.1); c.626C>G, p.Ala209Gly (NM_153759.3); c.1193C>G, p.Ala398Gly (NM_175629.2); short protein forms A209G, A398G, A175G, A246G.
Identifiers: ClinVar variation 4617787 (VCV004617787.1).

ClinVar aggregate classification (germline): Uncertain significance (1 of 4 stars; one submission).

Conditions:
Inborn genetic diseases. Identifiers: MedGen C0950123, MeSH D030342.

Submission:

Ambry Genetics
Classification: Uncertain significance for Inborn genetic diseases. Last evaluated: 2025-12-12. Review status: criteria provided, single submitter. Criteria: Ambry Variant Classification Scheme 2023. Collection method: clinical testing. Allele origin: germline.
Comment: The p.A398G variant (also known as c.1193C>G), located in coding exon 9 of the DNMT3A gene, results from a C to G substitution at nucleotide position 1193. The alanine at codon 398 is replaced by glycine, an amino acid with similar properties. This amino acid position is conserved. In addition, this alteration is predicted to be tolerated by in silico analysis. Based on the available evidence, the clinical significance of this variant remains unclear.